The following is an entry in ClinVar:

ClinVar aggregate classification (germline): Uncertain significance. Review status: criteria provided, multiple submitters, no conflicts (2 of 4 stars). 3 submissions from 3 submitters: Uncertain significance (3). Last evaluated 2026-02-23.

Conditions:
Cerebral creatine deficiency syndrome. Also called: Creatine deficiency syndromes. Identifiers: Orphanet 79172, MedGen C5244016, MONDO:0000456.
Inborn genetic diseases. Identifiers: MedGen C0950123, MeSH D030342.

Allele frequency attached by ClinVar (database versions not stated): gnomAD exomes 0.00001; TOPMed 0.00004; ExAC 0.00007; gnomAD 0.00005.

Submissions (3):

Dasa
Classification: Uncertain significance. Last evaluated: 2026-02-23. Review status: criteria provided, single submitter. Criteria: DASA Assertion Criteria. Collection method: clinical testing. Allele origin: germline.
Comment: NM_000156.6(GAMT):c.466G>A (p.Ala156Thr) is a missense variant that results in the substitution of alanine with threonine. The affected residue or protein region has prior evidence supporting clinical relevance. This variant is rare in population databases. Computational prediction algorithms are consistent with a deleterious effect. The currently available literature and clinical evidence are not sufficient to establish a definitive association between this variant and the reported condition. Therefore, this variant is classified as a variant of uncertain significance.

Ambry Genetics
Classification: Uncertain significance for Inborn genetic diseases. Last evaluated: 2023-09-14. Review status: criteria provided, single submitter. Criteria: Ambry Variant Classification Scheme 2023. Collection method: clinical testing. Allele origin: germline.

Labcorp Genetics (formerly Invitae), Labcorp
Classification: Uncertain significance for Cerebral creatine deficiency syndrome. Last evaluated: 2022-02-04. Review status: criteria provided, single submitter. Criteria: Invitae Variant Classification Sherloc (09022015). Collection method: clinical testing. Allele origin: germline.
Comment: This sequence change replaces alanine, which is neutral and non-polar, with threonine, which is neutral and polar, at codon 156 of the GAMT protein (p.Ala156Thr). This variant is present in population databases (rs781370953, gnomAD 0.1%). This variant has not been reported in the literature in individuals affected with GAMT-related conditions. Algorithms developed to predict the effect of missense changes on protein structure and function are either unavailable or do not agree on the potential impact of this missense change (SIFT: "Deleterious"; PolyPhen-2: "Possibly Damaging"; Align-GVGD: "Class C0"). In summary, the available evidence is currently insufficient to determine the role of this variant in disease. Therefore, it has been classified as a Variant of Uncertain Significance.

NM_000156.6(GAMT):c.466G>A (p.Ala156Thr)

Gene: GAMT (guanidinoacetate N-methyltransferase; minus strand). Cytogenetic location: 19p13.3.
Variant type: single nucleotide variant.
Coding change: c.466G>A on transcript NM_000156.6 (MANE Select); coding-DNA position 466, G replaced by A.
Protein change: p.Ala156Thr; replaces alanine 156 with threonine.
Molecular consequence: missense variant.
Genome position (GRCh38, 1-based): chr19:1,399,020, C>T on the plus strand (G>A on the coding strand, the complement: GAMT is on the minus strand). VCF-style: chr19-1399020-C-T. GRCh37 (hg19) VCF-style: chr19-1399019-C-T.
Other names: c.466G>A, p.Ala156Thr (NM_138924.3); c.466G>A (NM_000156.5); short protein forms A156T.
Identifiers: ClinVar variation 2060933 (VCV002060933.5), dbSNP rs781370953, ClinGen allele CA9043638.